The following is an entry in ClinVar:

NM_003072.5(SMARCA4):c.649A>G (p.Met217Val)

Gene: SMARCA4 (SWI/SNF related BAF chromatin remodeling complex subunit ATPase 4; plus strand). Cytogenetic location: 19p13.2.
Variant type: single nucleotide variant.
Coding change: c.649A>G on transcript NM_003072.5 (MANE Select); coding-DNA position 649, A replaced by G.
Protein change: p.Met217Val; replaces methionine 217 with valine.
Molecular consequence: missense variant. On other transcripts: non-coding transcript variant (1).
Genome position (GRCh38, 1-based): chr19:10,986,482, A>G. VCF-style: chr19-10986482-A-G. GRCh37 (hg19) VCF-style: chr19-11097158-A-G.
Other names: c.649A>G, p.Met217Val (NM_001128844.3, NM_001128845.2, NM_001128846.2 and 5 more transcripts); short protein forms M217V.
Identifiers: ClinVar variation 1479157 (VCV001479157.8), dbSNP rs2145781758, ClinGen allele CA404056792.

ClinVar aggregate classification (germline): Uncertain significance (1 of 4 stars; one submission).

Conditions:
Rhabdoid tumor predisposition syndrome 2 (RTPS2). Identifiers: Orphanet 231108, Orphanet 69077, MedGen C2750074, MONDO:0013224, OMIM 613325.

Submission:

Labcorp Genetics (formerly Invitae), Labcorp
Classification: Uncertain significance for Rhabdoid tumor predisposition syndrome 2. Last evaluated: 2024-05-06. Review status: criteria provided, single submitter. Criteria: Invitae Variant Classification Sherloc (09022015). Collection method: clinical testing. Allele origin: germline.
Comment: This sequence change replaces methionine, which is neutral and non-polar, with valine, which is neutral and non-polar, at codon 217 of the SMARCA4 protein (p.Met217Val). This variant is not present in population databases (gnomAD no frequency). This variant has not been reported in the literature in individuals affected with SMARCA4-related conditions. ClinVar contains an entry for this variant (Variation ID: 1479157). Advanced modeling of protein sequence and biophysical properties (such as structural, functional, and spatial information, amino acid conservation, physicochemical variation, residue mobility, and thermodynamic stability) performed at Invitae indicates that this missense variant is not expected to disrupt SMARCA4 protein function with a negative predictive value of 95%. In summary, the available evidence is currently insufficient to determine the role of this variant in disease. Therefore, it has been classified as a Variant of Uncertain Significance.